The following is an entry in ClinVar:

NM_000843.4(GRM6):c.2204C>T (p.Pro735Leu)

Genes: GRM6 (glutamate metabotropic receptor 6; minus strand), ZNF454 (zinc finger protein 454; plus strand). Cytogenetic location: 5q35.3.
Variant type: single nucleotide variant.
Coding change: c.2204C>T on transcript NM_000843.4 (MANE Select); coding-DNA position 2204, C replaced by T.
Protein change: p.Pro735Leu; replaces proline 735 with leucine.
Molecular consequence: missense variant.
Genome position (GRCh38, 1-based): chr5:178,983,142, G>A on the plus strand (C>T on the coding strand, the complement: GRM6 is on the minus strand). VCF-style: chr5-178983142-G-A. GRCh37 (hg19) VCF-style: chr5-178410143-G-A.
Other names: short protein forms P735L.
Identifiers: ClinVar variation 2110436 (VCV002110436.4), dbSNP rs1760438450, ClinGen allele CA362424703.
Genomic context (GRCh38, chr5:178,983,142, plus strand): 5'-AGGCAGCCGATGAGAGACAGATCCGACATGTCGCACTTGAGCACCCCTCTGGCCTGCTCG[G>A]GGTCCACCGTCCGCTGTTCCTCATAGTCAATCACGCTGTGTGGGGGCCGGGCCCCCAGCC-3'
Protein context (NP_000834.2, residues 725-745): IDYEEQRTVD[Pro735Leu]EQARGVLKCD

ClinVar aggregate classification (germline): Uncertain significance (1 of 4 stars; one submission).

Allele frequency attached by ClinVar (database versions not stated): TOPMed below 0.00001; gnomAD 0.00001.
gnomAD v4.1: 1 of 1,613,864 alleles (0.000062%); highest among the groups gnomAD compares: Non-Finnish European, 0.000085%; no homozygotes.

Submission:

Labcorp Genetics (formerly Invitae), Labcorp
Classification: Uncertain significance. Last evaluated: 2022-03-12. Review status: criteria provided, single submitter. Criteria: Invitae Variant Classification Sherloc (09022015). Collection method: clinical testing. Allele origin: germline.
Comment: This sequence change replaces proline, which is neutral and non-polar, with leucine, which is neutral and non-polar, at codon 735 of the GRM6 protein (p.Pro735Leu). This variant is not present in population databases (gnomAD no frequency). Advanced modeling of protein sequence and biophysical properties (such as structural, functional, and spatial information, amino acid conservation, physicochemical variation, residue mobility, and thermodynamic stability) performed at Invitae indicates that this missense variant is expected to disrupt GRM6 protein function. In summary, the available evidence is currently insufficient to determine the role of this variant in disease. Therefore, it has been classified as a Variant of Uncertain Significance. This variant has not been reported in the literature in individuals affected with GRM6-related conditions.